The following is an entry in ClinVar:

NM_014000.3(VCL):c.1757G>A (p.Arg586Gln)

Gene: VCL (vinculin; plus strand). Cytogenetic location: 10q22.2.
Variant type: single nucleotide variant.
Coding change: c.1757G>A on transcript NM_014000.3 (MANE Select); coding-DNA position 1757, G replaced by A.
Protein change: p.Arg586Gln; replaces arginine 586 with glutamine.
Molecular consequence: missense variant.
Genome position (GRCh38, 1-based): chr10:74,097,217, G>A. VCF-style: chr10-74097217-G-A. GRCh37 (hg19) VCF-style: chr10-75856975-G-A.
Other names: c.1757G>A (NM_014000.2); c.1757G>A, p.Arg586Gln (NM_003373.4); short protein forms R586Q.
Identifiers: ClinVar variation 1019741 (VCV001019741.9), dbSNP rs774076269, ClinGen allele CA5563081.

ClinVar aggregate classification (germline): Conflicting classifications of pathogenicity. Review status: criteria provided, conflicting classifications (1 of 4 stars). 2 submissions from 2 submitters: Uncertain significance (1); Likely benign (1). Last evaluated 2025-10-02.

Conditions:
Cardiovascular phenotype. Identifiers: MedGen CN230736.
Dilated cardiomyopathy 1W (CMD1W). Identifiers: Orphanet 154, MedGen C1969639, MONDO:0012667, OMIM 611407.

Allele frequency attached by ClinVar (database versions not stated): ExAC 0.00002.
gnomAD v4.1: 11 of 1,613,892 alleles (0.00068%); highest among the groups gnomAD compares: East Asian, 0.0045%; no homozygotes.

Submissions (2):

Ambry Genetics
Classification: Likely benign for Cardiovascular phenotype. Last evaluated: 2025-10-02. Review status: criteria provided, single submitter. Criteria: Ambry Variant Classification Scheme 2023. Collection method: clinical testing. Allele origin: germline.

Labcorp Genetics (formerly Invitae), Labcorp
Classification: Uncertain significance for Dilated cardiomyopathy 1W. Last evaluated: 2025-06-01. Review status: criteria provided, single submitter. Criteria: Invitae Variant Classification Sherloc (09022015). Collection method: clinical testing. Allele origin: germline.
Comment: This sequence change replaces arginine, which is basic and polar, with glutamine, which is neutral and polar, at codon 586 of the VCL protein (p.Arg586Gln). This variant is present in population databases (rs774076269, gnomAD 0.002%). This variant has not been reported in the literature in individuals affected with VCL-related conditions. ClinVar contains an entry for this variant (Variation ID: 1019741). An algorithm developed to predict the effect of missense changes on protein structure and function outputs the following: PolyPhen-2: "Benign". The glutamine amino acid residue is found in multiple mammalian species, which suggests that this missense change does not adversely affect protein function. In summary, the available evidence is currently insufficient to determine the role of this variant in disease. Therefore, it has been classified as a Variant of Uncertain Significance.

Literature cited by the submitters: PubMed 33057194 (cited by Ambry Genetics); PubMed 33491343 (cited by Ambry Genetics); PubMed 35982159 (cited by Ambry Genetics).